The following is an entry in ClinVar:

NM_144997.7(FLCN):c.871+3_871+4delinsTCCAGAT

Gene: FLCN (folliculin; minus strand). Cytogenetic location: 17p11.2.
Variant type: Indel.
Coding change: c.871+3_871+4delinsTCCAGAT on transcript NM_144997.7 (MANE Select); bases 3 to 4 of the intron after coding-DNA position 871, GA replaced by TCCAGAT.
Molecular consequence: intron variant. On other transcripts: frameshift variant (1).
Genome position (GRCh38, 1-based): chr17:17,221,533-17,221,534, TC replaced by ATCTGGA on the plus strand (GA replaced by TCCAGAT on the coding strand, the reverse complement: FLCN is on the minus strand). VCF-style: chr17-17221533-TC-ATCTGGA. GRCh37 (hg19) VCF-style: chr17-17124847-TC-ATCTGGA.
Other names: c.874_875delinsTCCAGAT, p.Glu292fs (NM_144606.7); c.871+3_871+4delinsTCCAGAT (NM_001353231.2, NM_001353230.2); c.925+3_925+4delinsTCCAGAT (NM_001353229.2); short protein forms E292fs.
Identifiers: ClinVar variation 1012204 (VCV001012204.10), dbSNP rs2047088558, ClinGen allele CA2250420204.

ClinVar aggregate classification (germline): Likely pathogenic. Review status: criteria provided, multiple submitters, no conflicts (2 of 4 stars). 2 submissions from 2 submitters: Likely pathogenic (2). Last evaluated 2026-03-03.

Conditions:
Birt-Hogg-Dube syndrome 1 (BHD1). Also called: FIBROFOLLICULOMAS WITH TRICHODISCOMAS AND ACROCHORDONS. Identifiers: Orphanet 122, MedGen CN375946, MONDO:0800445, OMIM 135150.

Submissions (2):

Department of Molecular Diagnostics, Institute of Oncology Ljubljana
Classification: Likely pathogenic for Birt-Hogg-Dube syndrome 1. Last evaluated: 2026-03-03. Review status: criteria provided, single submitter. Criteria: ACMG Guidelines, 2015. Collection method: clinical testing. Allele origin: germline. Inheritance: Autosomal dominant inheritance. Affected: yes.

GeneDx
Classification: Likely pathogenic. Last evaluated: 2026-02-16. Review status: criteria provided, single submitter. Criteria: GeneDx Variant Classification Process June 2021. Collection method: clinical testing. Allele origin: germline. Affected: yes.
Comment: Creates an intronic +5 splice site variant (G>C) in a gene for which loss-of-function is a known mechanism of disease, and splice predictors support a deleterious effect; Not observed at significant frequency in large population cohorts (gnomAD); This variant is associated with the following publications: (PMID: 29357828, 22146830)

Literature cited by the submitters: PubMed 24910976 (cited by Department of Molecular Diagnostics, Institute of Oncology Ljubljana).